The following is an entry in ClinVar:

NM_006785.4(MALT1):c.1417A>T (p.Thr473Ser)

Gene: MALT1 (MALT1 paracaspase; plus strand). Cytogenetic location: 18q21.32.
Variant type: single nucleotide variant.
Coding change: c.1417A>T on transcript NM_006785.4 (MANE Select); coding-DNA position 1417, A replaced by T.
Protein change: p.Thr473Ser; replaces threonine 473 with serine.
Molecular consequence: missense variant.
Genome position (GRCh38, 1-based): chr18:58,734,323, A>T. VCF-style: chr18-58734323-A-T. GRCh37 (hg19) VCF-style: chr18-56401555-A-T.
Other names: c.1384A>T, p.Thr462Ser (NM_173844.3); short protein forms T462S, T473S.
Identifiers: ClinVar variation 1047833 (VCV001047833.8), dbSNP rs1602335279, ClinGen allele CA402574915.

ClinVar aggregate classification (germline): Uncertain significance (1 of 4 stars; one submission).

Conditions:
Combined immunodeficiency due to MALT1 deficiency. Also called: Immunodeficiency 12. Identifiers: Orphanet 397964, MedGen C3809583, MONDO:0014197, OMIM 615468.

Submission:

Labcorp Genetics (formerly Invitae), Labcorp
Classification: Uncertain significance for Combined immunodeficiency due to MALT1 deficiency. Last evaluated: 2022-08-31. Review status: criteria provided, single submitter. Criteria: Invitae Variant Classification Sherloc (09022015). Collection method: clinical testing. Allele origin: germline.
Comment: Algorithms developed to predict the effect of missense changes on protein structure and function are either unavailable or do not agree on the potential impact of this missense change (SIFT: "Tolerated"; PolyPhen-2: "Possibly Damaging"; Align-GVGD: "Class C0"). ClinVar contains an entry for this variant (Variation ID: 1047833). This variant has not been reported in the literature in individuals affected with MALT1-related conditions. This variant is not present in population databases (gnomAD no frequency). This sequence change replaces threonine, which is neutral and polar, with serine, which is neutral and polar, at codon 473 of the MALT1 protein (p.Thr473Ser). In summary, the available evidence is currently insufficient to determine the role of this variant in disease. Therefore, it has been classified as a Variant of Uncertain Significance.